The following is an entry in ClinVar:

NM_206926.2(SELENON):c.581_587dup (p.Met196fs)

Gene: SELENON (selenoprotein N; plus strand). Cytogenetic location: 1p36.11.
Variant type: Duplication.
Coding change: c.581_587dup on transcript NM_206926.2 (MANE Select); coding-DNA positions 581 to 587, 7 bases duplicated (TGAGCAT; older notation c.581_587dupTGAGCAT).
Protein change: p.Met196fs; shifts the reading frame from methionine 196.
Molecular consequence: frameshift variant.
Genome position (GRCh38, 1-based): chr1:25,808,725-25,808,731, TGAGCAT duplicated. VCF-style (leftmost placement, unchanged base first): chr1-25808724-C-CTGAGCAT. GRCh37 (hg19) VCF-style: chr1-26135215-C-CTGAGCAT.
Other names: c.683_689dup, p.Met230fs (NM_020451.3); c.683_689dupTGAGCAT (NM_020451.2); short protein forms M196fs, M230fs.
Identifiers: ClinVar variation 419984 (VCV000419984.11), dbSNP rs1553120055, ClinGen allele CA16617131.

ClinVar aggregate classification (germline): Pathogenic. Review status: criteria provided, multiple submitters, no conflicts (2 of 4 stars). 2 submissions from 2 submitters: Pathogenic (2). Last evaluated 2025-07-02.

Conditions:
Eichsfeld type congenital muscular dystrophy (CMYO3). Also called: MYOPATHY, SEPN1-RELATED; SELENON-related myopathy; Congenital myopathy 3 with rigid spine; Rigid spine muscular dystrophy 1. Identifiers: MedGen C0410180, MONDO:0100100, OMIM 602771.

Allele frequency attached by ClinVar (database versions not stated): TOPMed below 0.00001; gnomAD exomes 0.00001.

Submissions (2):

GeneDx
Classification: Pathogenic. Last evaluated: 2025-07-02. Review status: criteria provided, single submitter. Criteria: GeneDx Variant Classification Process June 2021. Collection method: clinical testing. Allele origin: germline. Affected: yes.
Comment: Frameshift variant predicted to result in protein truncation or nonsense mediated decay in a gene for which loss of function is a known mechanism of disease; Not observed at significant frequency in large population cohorts (gnomAD); This variant is associated with the following publications: (PMID: 30932294, 24988964)

Labcorp Genetics (formerly Invitae), Labcorp
Classification: Pathogenic for Eichsfeld type congenital muscular dystrophy. Last evaluated: 2023-07-28. Review status: criteria provided, single submitter. Criteria: Invitae Variant Classification Sherloc (09022015). Collection method: clinical testing. Allele origin: germline.
Comment: This sequence change creates a premature translational stop signal (p.Met230Ilefs*73) in the SELENON gene. It is expected to result in an absent or disrupted protein product. Loss-of-function variants in SELENON are known to be pathogenic (PMID: 21131290, 21670436). This variant is not present in population databases (gnomAD no frequency). This premature translational stop signal has been observed in individual(s) with congenital myopathy (PMID: 24988964, 30932294). ClinVar contains an entry for this variant (Variation ID: 419984). Algorithms developed to predict the effect of sequence changes on RNA splicing suggest that this variant may disrupt the consensus splice site. For these reasons, this variant has been classified as Pathogenic.

Literature cited by the submitters: PubMed 21131290 (cited by Labcorp Genetics (formerly Invitae), Labcorp); PubMed 21670436 (cited by Labcorp Genetics (formerly Invitae), Labcorp); PubMed 24988964 (cited by Labcorp Genetics (formerly Invitae), Labcorp); PubMed 30932294 (cited by Labcorp Genetics (formerly Invitae), Labcorp).